The following is an entry in ClinVar:

ClinVar aggregate classification (germline): Uncertain significance. Review status: criteria provided, multiple submitters, no conflicts (2 of 4 stars). 2 submissions from 2 submitters: Uncertain significance (2). Last evaluated 2025-05-27.

Conditions:
Hereditary cancer-predisposing syndrome. Also called: Hereditary neoplastic syndrome; Neoplastic Syndromes, Hereditary; Hereditary Cancer Syndrome; Tumor predisposition. Identifiers: Orphanet 140162, MedGen C0027672, MeSH D009386, MONDO:0015356.
Hereditary breast ovarian cancer syndrome. Also called: Hereditary breast and ovarian cancer syndrome; Hereditary breast and/or ovarian cancer syndrome; BRCA1- and BRCA2-Associated Hereditary Breast and Ovarian Cancer; Hereditary breast and ovarian cancer; Breast and ovarian cancer; Hereditary breast and ovarian cancer syndrome (HBOC). Identifiers: Orphanet 145, MedGen C0677776, MeSH D061325, MONDO:0003582. Disease mechanism: loss of function.

Submissions (2):

Ambry Genetics
Classification: Uncertain significance for Hereditary cancer-predisposing syndrome. Last evaluated: 2025-05-27. Review status: criteria provided, single submitter. Criteria: Ambry Variant Classification Scheme 2023. Collection method: clinical testing. Allele origin: germline.
Comment: The p.E292G variant (also known as c.875A>G), located in coding exon 9 of the BRCA2 gene, results from an A to G substitution at nucleotide position 875. The glutamic acid at codon 292 is replaced by glycine, an amino acid with similar properties. This amino acid position is not well conserved in available vertebrate species. In addition, this alteration is predicted to be tolerated by in silico analysis. Based on the available evidence, the clinical significance of this variant remains unclear.

Labcorp Genetics (formerly Invitae), Labcorp
Classification: Uncertain significance for Hereditary breast ovarian cancer syndrome. Last evaluated: 2024-03-28. Review status: criteria provided, single submitter. Criteria: Invitae Variant Classification Sherloc (09022015). Collection method: clinical testing. Allele origin: germline.
Comment: This sequence change replaces glutamic acid, which is acidic and polar, with glycine, which is neutral and non-polar, at codon 292 of the BRCA2 protein (p.Glu292Gly). This variant is not present in population databases (gnomAD no frequency). This variant has not been reported in the literature in individuals affected with BRCA2-related conditions. Advanced modeling of protein sequence and biophysical properties (such as structural, functional, and spatial information, amino acid conservation, physicochemical variation, residue mobility, and thermodynamic stability) performed at Invitae indicates that this missense variant is not expected to disrupt BRCA2 protein function with a negative predictive value of 95%. In summary, the available evidence is currently insufficient to determine the role of this variant in disease. Therefore, it has been classified as a Variant of Uncertain Significance.

NM_000059.4(BRCA2):c.875A>G (p.Glu292Gly)

Gene: BRCA2 (BRCA2 DNA repair associated; plus strand). Cytogenetic location: 13q13.1.
Variant type: single nucleotide variant.
Coding change: c.875A>G on transcript NM_000059.4 (MANE Select); coding-DNA position 875, A replaced by G.
Protein change: p.Glu292Gly; replaces glutamic acid 292 with glycine.
Molecular consequence: missense variant. On other transcripts: non-coding transcript variant (1), intron variant (1).
Genome position (GRCh38, 1-based): chr13:32,332,353, A>G. VCF-style: chr13-32332353-A-G. GRCh37 (hg19) VCF-style: chr13-32906490-A-G.
Other names: c.875A>G, p.Glu292Gly (NM_001406719.1, NM_001406721.1, NM_001406720.1); c.424+1323A>G (NM_001406722.1); short protein forms E292G.
Identifiers: ClinVar variation 2764561 (VCV002764561.4), dbSNP rs1593891360, ClinGen allele CA387760612.